The following is an entry in ClinVar:

ClinVar aggregate classification (germline): Benign/Likely benign. Review status: criteria provided, multiple submitters, no conflicts (2 of 4 stars). 3 submissions from 3 submitters: Benign (1); Likely benign (1). 1 of the submissions does not count toward it. Last evaluated 2024-04-18.

Conditions:
Inborn genetic diseases. Identifiers: MedGen C0950123, MeSH D030342.
NLGN4X-related disorder. Also called: NLGN4X-related condition.

Allele frequency attached by ClinVar (database versions not stated): gnomAD exomes 0.00008; gnomAD 0.00020; 1000 Genomes Project 30x 0.00021; ESP Exome Variant Server 0.00047; ExAC 0.00011; 1000 Genomes Project 0.00026; TOPMed 0.00029.
gnomAD v4.1: 48 of 1,208,504 alleles (0.004%); highest among the groups gnomAD compares: African/African-American, 0.067%; no homozygotes.

Submissions (3):

Ambry Genetics
Classification: Likely benign for Inborn genetic diseases. Last evaluated: 2024-04-18. Review status: criteria provided, single submitter. Criteria: Ambry Variant Classification Scheme 2023. Collection method: clinical testing. Allele origin: germline.

Labcorp Genetics (formerly Invitae), Labcorp
Classification: Benign. Last evaluated: 2018-10-02. Review status: criteria provided, single submitter. Criteria: Invitae Variant Classification Sherloc (09022015). Collection method: clinical testing. Allele origin: germline.

PreventionGenetics, part of Exact Sciences
Classification: Likely benign for NLGN4X-related condition. Last evaluated: 2023-12-21. Review status: no assertion criteria provided. Collection method: clinical testing. Allele origin: germline. Not counted in ClinVar's aggregate classification.
Comment: This variant is classified as likely benign based on ACMG/AMP sequence variant interpretation guidelines (Richards et al. 2015 PMID: 25741868, with internal and published modifications).

NM_181332.3(NLGN4X):c.1977G>C (p.Glu659Asp)

Gene: NLGN4X (neuroligin 4 X-linked; minus strand). Cytogenetic location: Xp22.32.
Variant type: single nucleotide variant.
Coding change: c.1977G>C on transcript NM_181332.3 (MANE Select); coding-DNA position 1977, G replaced by C.
Protein change: p.Glu659Asp; replaces glutamic acid 659 with aspartic acid.
Molecular consequence: missense variant.
Genome position (GRCh38, 1-based): chrX:5,893,291, C>G on the plus strand (G>C on the coding strand, the complement: NLGN4X is on the minus strand). VCF-style: chrX-5893291-C-G. GRCh37 (hg19) VCF-style: chrX-5811332-C-G.
Other names: c.1977G>C, p.Glu659Asp (NM_001282145.2, NM_001282146.2, NM_020742.4); c.1977G>C (NM_020742.2); short protein forms E659D.
Identifiers: ClinVar variation 745235 (VCV000745235.6), dbSNP rs147713383, ClinGen allele CA10340949.